The following is an entry in ClinVar:

ClinVar aggregate classification (germline): Uncertain significance. Review status: criteria provided, multiple submitters, no conflicts (2 of 4 stars). 2 submissions from 2 submitters: Uncertain significance (2). Last evaluated 2026-03-12.

Conditions:
Immunodeficiency 104. Also called: Severe combined immunodeficiency, autosomal recessive, T cell-negative, B cell-positive, NK cell-positive; Severe Combined Immune Deficiency, Autosomal Recessive, TCell -Negative, B Cell-Positive, NK Cell-Positive, IL7R-Related; SCID, AUTOSOMAL RECESSIVE, T CELL-NEGATIVE, B CELL-POSITIVE, NK CELL-POSITIVE; IMMUNODEFICIENCY 104, SEVERE COMBINED. Identifiers: MedGen C5676890, MONDO:0012163, OMIM 608971.

Allele frequency attached by ClinVar (database versions not stated): TOPMed 0.00001.

Submissions (2):

Dasa
Classification: Uncertain significance. Last evaluated: 2026-03-12. Review status: criteria provided, single submitter. Criteria: DASA Assertion Criteria. Collection method: clinical testing. Allele origin: germline.
Comment: NM_002838.5(PTPRC):c.1577A>C (p.Asn526Thr) is a missense variant that results in the substitution of asparagine with threonine. This variant is rare in population databases. The currently available literature and clinical evidence are not sufficient to establish a definitive association between this variant and the reported condition. Therefore, this variant is classified as a variant of uncertain significance.

Labcorp Genetics (formerly Invitae), Labcorp
Classification: Uncertain significance for Severe combined immunodeficiency, autosomal recessive, T cell-negative, B cell-positive, NK cell-positive. Last evaluated: 2019-07-12. Review status: criteria provided, single submitter. Criteria: Invitae Variant Classification Sherloc (09022015). Collection method: clinical testing. Allele origin: germline.
Comment: This sequence change replaces asparagine with threonine at codon 526 of the PTPRC protein (p.Asn526Thr). The asparagine residue is weakly conserved and there is a small physicochemical difference between asparagine and threonine. This variant is not present in population databases (ExAC no frequency). This variant has not been reported in the literature in individuals with PTPRC-related conditions. Algorithms developed to predict the effect of missense changes on protein structure and function output the following: SIFT: "Tolerated"; PolyPhen-2: "Benign"; Align-GVGD: "Class C0". The threonine amino acid residue is found in multiple mammalian species, suggesting that this missense change does not adversely affect protein function. These predictions have not been confirmed by published functional studies and their clinical significance is uncertain. In summary, the available evidence is currently insufficient to determine the role of this variant in disease. Therefore, it has been classified as a Variant of Uncertain Significance.

NM_002838.5(PTPRC):c.1577A>C (p.Asn526Thr)

Gene: PTPRC (protein tyrosine phosphatase receptor type C; plus strand). Cytogenetic location: 1q32.1.
Variant type: single nucleotide variant.
Coding change: c.1577A>C on transcript NM_002838.5 (MANE Select); coding-DNA position 1577, A replaced by C.
Protein change: p.Asn526Thr; replaces asparagine 526 with threonine.
Molecular consequence: missense variant.
Genome position (GRCh38, 1-based): chr1:198,718,220, A>C. VCF-style: chr1-198718220-A-C. GRCh37 (hg19) VCF-style: chr1-198687349-A-C.
Other names: c.1094A>C, p.Asn365Thr (NM_080921.4); short protein forms N365T, N526T.
Identifiers: ClinVar variation 944768 (VCV000944768.3), dbSNP rs1380213873, ClinGen allele CA344039289.